The following is an entry in ClinVar:

ClinVar aggregate classification (germline): Likely benign (0 of 4 stars; one submission).

Conditions:
TUSC3-related disorder. Also called: TUSC3-related condition.

gnomAD v4.1: 26 of 1,597,878 alleles (0.0016%); highest among the groups gnomAD compares: South Asian, 0.028%; no homozygotes.

Submission:

PreventionGenetics, part of Exact Sciences
Classification: Likely benign for TUSC3-related condition. Last evaluated: 2019-05-07. Review status: no assertion criteria provided. Collection method: clinical testing. Allele origin: germline.
Comment: This variant is classified as likely benign based on ACMG/AMP sequence variant interpretation guidelines (Richards et al. 2015 PMID: 25741868, with internal and published modifications).

NM_006765.4(TUSC3):c.15C>A (p.Gly5=)

Gene: TUSC3 (tumor suppressor candidate 3; plus strand). Cytogenetic location: 8p22.
Variant type: single nucleotide variant.
Coding change: c.15C>A on transcript NM_006765.4 (MANE Select); coding-DNA position 15, C replaced by A.
Protein change: p.Gly5=; no amino-acid change (glycine 5 retained).
Molecular consequence: synonymous variant. On other transcripts: 5 prime UTR variant (2), non-coding transcript variant (5), intron variant (4).
Genome position (GRCh38, 1-based): chr8:15,540,445, C>A. VCF-style: chr8-15540445-C-A. GRCh37 (hg19) VCF-style: chr8-15397954-C-A.
Other names: c.15C>A, p.Gly5= (NM_001356429.2, NM_001413583.1, NM_001413673.1 and 17 more transcripts); c.-300C>A (NM_001413677.1); c.-203C>A (NM_001413678.1); c.79-82635C>A (NM_001413670.1); c.-31+56962C>A (NM_001413672.1); c.-30-82635C>A (NM_001413671.1, NM_001413669.1).
Identifiers: ClinVar variation 3042339 (VCV003042339.2), dbSNP rs201469989, ClinGen allele CA4640258.
Genomic context (GRCh38, chr8:15,540,445, plus strand): 5'-GGGCGCGCACGGCTACCGCGCGTGGAGGAGACACTGCCCTGCCGCGATGGGGGCCCGGGG[C>A]GCTCCTTCACGCCGTAGGCAAGCGGGGCGGCGGCTGCGGTACCTGCCCACCGGGAGCTTT-3'
Protein context (NP_006756.2, residues 1-15): MGAR[Gly5=]APSRRRQAGR